The following is an entry in ClinVar:

NM_001352186.2(ANKS1B):c.1502G>A (p.Gly501Asp)

Gene: ANKS1B (ankyrin repeat and sterile alpha motif domain containing 1B; minus strand). Cytogenetic location: 12q23.1.
Variant type: single nucleotide variant.
Coding change: c.1502G>A on transcript NM_001352186.2 (MANE Select); coding-DNA position 1502, G replaced by A.
Protein change: p.Gly501Asp; replaces glycine 501 with aspartic acid.
Molecular consequence: missense variant.
Genome position (GRCh38, 1-based): chr12:99,443,746, C>T on the plus strand (G>A on the coding strand, the complement: ANKS1B is on the minus strand). VCF-style: chr12-99443746-C-T. GRCh37 (hg19) VCF-style: chr12-99837524-C-T.
Other names: c.1502G>A, p.Gly501Asp (NM_001352185.1, NM_001352187.1, NM_001352188.1 and 1 more transcripts); short protein forms G501D.
Identifiers: ClinVar variation 2887664 (VCV002887664.4), dbSNP rs1462944901, ClinGen allele CA386241687.

ClinVar aggregate classification (germline): Uncertain significance. Review status: criteria provided, multiple submitters, no conflicts (2 of 4 stars). 2 submissions from 2 submitters: Uncertain significance (2). Last evaluated 2024-06-25.

Allele frequency attached by ClinVar (database versions not stated): TOPMed below 0.00001.

Submissions (2):

Ambry Genetics
Classification: Uncertain significance. Last evaluated: 2024-06-25. Review status: criteria provided, single submitter. Criteria: Ambry Variant Classification Scheme 2023. Collection method: clinical testing. Allele origin: germline.

Labcorp Genetics (formerly Invitae), Labcorp
Classification: Uncertain significance. Last evaluated: 2024-05-30. Review status: criteria provided, single submitter. Criteria: Invitae Variant Classification Sherloc (09022015). Collection method: clinical testing. Allele origin: germline.
Comment: This sequence change replaces glycine, which is neutral and non-polar, with aspartic acid, which is acidic and polar, at codon 501 of the ANKS1B protein (p.Gly501Asp). This variant is not present in population databases (gnomAD no frequency). This variant has not been reported in the literature in individuals affected with ANKS1B-related conditions. An algorithm developed to predict the effect of missense changes on protein structure and function (PolyPhen-2) suggests that this variant is likely to be disruptive. In summary, the available evidence is currently insufficient to determine the role of this variant in disease. Therefore, it has been classified as a Variant of Uncertain Significance.